The following is an entry in ClinVar:

NM_001378615.1(CC2D2A):c.1096G>C (p.Val366Leu)

Genes: CC2D2A (coiled-coil and C2 domain containing 2A; plus strand), FBXL5 (F-box and leucine rich repeat protein 5; minus strand). Cytogenetic location: 4p15.32.
Variant type: single nucleotide variant.
Coding change: c.1096G>C on transcript NM_001378615.1 (MANE Select); coding-DNA position 1096, G replaced by C.
Protein change: p.Val366Leu; replaces valine 366 with leucine.
Molecular consequence: missense variant.
Genome position (GRCh38, 1-based): chr4:15,516,703, G>C. VCF-style: chr4-15516703-G-C. GRCh37 (hg19) VCF-style: chr4-15518326-G-C.
Other names: c.1096G>C, p.Val366Leu (NM_001080522.2); c.949G>C, p.Val317Leu (NM_001378617.1); short protein forms V366L, V317L.
Identifiers: ClinVar variation 1969277 (VCV001969277.4), dbSNP rs1716895298, ClinGen allele CA356409971.

ClinVar aggregate classification (germline): Uncertain significance. Review status: criteria provided, multiple submitters, no conflicts (2 of 4 stars). 2 submissions from 2 submitters: Uncertain significance (2). Last evaluated 2024-03-02.

Conditions:
Retinitis pigmentosa 93. Identifiers: MedGen C5676970, MONDO:0030797, OMIM 619845.
COACH syndrome 2. Identifiers: MedGen C5436837, MONDO:0030859, OMIM 619111.
Meckel syndrome, type 6. Identifiers: Orphanet 564, MedGen C2676790, MONDO:0012848, OMIM 612284.
Joubert syndrome 9 (JBTS9). Identifiers: Orphanet 2318, MedGen C2676788, MONDO:0012849, OMIM 612285.
Joubert syndrome. Also called: Familial aplasia of the vermis; JOUBERT-BOLTSHAUSER SYNDROME. Identifiers: Orphanet 475, MedGen C5979921, MONDO:0018772.
Meckel-Gruber syndrome. Also called: Dysencephalia splachnocystica; DYSENCEPHALIA SPLANCHNOCYSTICA; GRUBER SYNDROME. Identifiers: Orphanet 564, MedGen C0265215, MONDO:0018921.

gnomAD v4.1: 1 of 1,613,518 alleles (0.000062%); highest among the groups gnomAD compares: Admixed American, 0.0017%; no homozygotes.

Submissions (2):

Fulgent Genetics
Classification: Uncertain significance for Meckel syndrome, type 6; Joubert syndrome 9; COACH syndrome 2; Retinitis pigmentosa 93. Last evaluated: 2024-03-02. Review status: criteria provided, single submitter. Criteria: ACMG Guidelines, 2015. Collection method: clinical testing. Allele origin: germline.

Labcorp Genetics (formerly Invitae), Labcorp
Classification: Uncertain significance for Joubert syndrome; Meckel-Gruber syndrome. Last evaluated: 2023-08-04. Review status: criteria provided, single submitter. Criteria: Invitae Variant Classification Sherloc (09022015). Collection method: clinical testing. Allele origin: germline.
Comment: In summary, the available evidence is currently insufficient to determine the role of this variant in disease. Therefore, it has been classified as a Variant of Uncertain Significance. Advanced modeling of protein sequence and biophysical properties (such as structural, functional, and spatial information, amino acid conservation, physicochemical variation, residue mobility, and thermodynamic stability) performed at Invitae indicates that this missense variant is not expected to disrupt CC2D2A protein function. ClinVar contains an entry for this variant (Variation ID: 1969277). This variant has not been reported in the literature in individuals affected with CC2D2A-related conditions. This variant is not present in population databases (gnomAD no frequency). This sequence change replaces valine, which is neutral and non-polar, with leucine, which is neutral and non-polar, at codon 366 of the CC2D2A protein (p.Val366Leu).